The following is an entry in ClinVar:

NM_006397.3(RNASEH2A):c.746C>T (p.Ala249Val)

Gene: RNASEH2A (ribonuclease H2 subunit A; plus strand). Cytogenetic location: 19p13.13.
Variant type: single nucleotide variant.
Coding change: c.746C>T on transcript NM_006397.3 (MANE Select); coding-DNA position 746, C replaced by T.
Protein change: p.Ala249Val; replaces alanine 249 with valine.
Molecular consequence: missense variant.
Genome position (GRCh38, 1-based): chr19:12,813,191, C>T. VCF-style: chr19-12813191-C-T. GRCh37 (hg19) VCF-style: chr19-12924005-C-T.
Other names: short protein forms A249V.
Identifiers: ClinVar variation 803523 (VCV000803523.17), dbSNP rs758719669, ClinGen allele CA9232019.

ClinVar aggregate classification (germline): Conflicting classifications of pathogenicity. Review status: criteria provided, conflicting classifications (1 of 4 stars). 11 submissions from 11 submitters: Likely pathogenic (3); Uncertain significance (8). Last evaluated 2026-06-05.

Conditions:
Aicardi-Goutieres syndrome 4. Identifiers: Orphanet 51, MedGen C1835912, MONDO:0012472, OMIM 610333.
Inborn genetic diseases. Identifiers: MedGen C0950123, MeSH D030342.
RNASEH2A-related disorder. Also called: RNASEH2A-related condition.

Allele frequency attached by ClinVar (database versions not stated): ExAC 0.00002; gnomAD exomes 0.00005; TOPMed 0.00007; gnomAD 0.00009 and 0.00010.
gnomAD v4.1: 88 of 1,613,790 alleles (0.0055%); highest among the groups gnomAD compares: Admixed American, 0.043%; no homozygotes.

Submissions (11):

Women's Health and Genetics/Laboratory Corporation of America, LabCorp
Classification: Uncertain significance. Last evaluated: 2026-06-05. Review status: criteria provided, single submitter. Criteria: LabCorp Variant Classification Summary - May 2015. Collection method: clinical testing. Allele origin: germline.
Comment: Variant summary: RNASEH2A c.746C>T (p.Ala249Val) results in a non-conservative amino acid change located in the Ribonuclease HII/HIII domain (IPR024567) of the encoded protein sequence. Algorithms developed to predict the effect of missense changes on protein structure and function are either unavailable or do not agree on the potential impact of this missense change. The variant allele was found at a frequency of 5.2e-05 in 250922 control chromosomes, predominantly at a frequency of 0.00032 within the Latino subpopulation in the gnomAD database. The observed variant frequency within Latino control individuals in the gnomAD database exceeds the estimated maximal expected allele frequency for disease-causing variants in RNASEH2A. c.746C>T has been observed in homozygous state in two unrelated individuals affected with atypical presentations of Aicardi Goutieres Syndrome (Barcelos_2023). These data indicate that the variant may be associated with disease. To our knowledge, no experimental evidence demonstrating an impact on protein function has been reported. The following publication have been ascertained in the context of this evaluation (PMID: 37626525). ClinVar contains an entry for this variant (Variation ID: 803523). Based on the evidence outlined above, the variant was classified as uncertain significance.

Centro Nacional de Genética Medica, Administración Nacional de Laboratorios e Institutos de Salud (ANLIS) “Dr. Carlos G Malbrán”
Classification: Likely pathogenic for Aicardi-Goutieres syndrome 4. Last evaluated: 2026-01-02. Review status: criteria provided, single submitter. Criteria: ACMG Guidelines, 2015. Collection method: clinical testing. Allele origin: germline. Affected: yes. Observed: 1 variant allele.
Comment: This substitution results in a change of the amino acid alanine to valine at position 249 of the protein (p.Ala249Val), in exon 7/8. In 2023, a study was reported involving six patients from Brazil with Aicardi-Goutieres syndrome, two of whom had the homozygous p.Ala249Val variant (PMID: 37626525). This variant has also been reported five times in ClinVar (four times classified as VUS and once as Probably Pathogenic). Among the Clinvar entries, SCV002521773.1 and SCV003807795.1 stand out. The variant is located in the RNase domain (PM1). This variant is present at low frequency in population databases such as GnomAD, ExAc, and 1000 Genomes (frequency <0.01%) (PM2_Supporting). The variant is found in homozygosity in a gene associated with an autosomal recessive disorder and was reported in trans as the variant NM_006397.3:c.717del, classified as probably pathogenic (Clinvar ID: SCV002521773.1) (PM3_Supporting). A patient with AGS4 was also reported, in whom two heterozygous variants were found in RNASEH2A: one in exon 3: c.290C >T (p.Ser97Phe) and another in trans in exon 7 at the same amino acid position as the variant found in the patient: c.746 C >A (p.Ala249Glu) (PMID: 39470906). In this case, the change is from alanine to glutamic acid. The patient's phenotype is consistent with Aicardi-Goutieres-4 syndrome, as previously described (PP4). Based on the above and following the international guidelines of the American College of Medical Genetics (ACMG), the homozygous variant identified in the RNASEH2A gene, c.746C>T (NM_006397.3), is classified as Probably Pathogenic (PS4_Moderate, PM1, PM2_Supporting, PM3_Supporting, PM5, and PP4).

Dasa
Classification: Uncertain significance. Last evaluated: 2025-07-29. Review status: criteria provided, single submitter. Criteria: DASA Assertion Criteria. Collection method: clinical testing. Allele origin: germline.
Comment: NM_006397.3(RNASEH2A):c.746C>T (p.Ala249Val) is a missense variant that results in the substitution of alanine with valine. This variant has been observed in affected individuals with RNASEH2A-related disorders. Also, this variant is rare in population databases. The currently available literature and clinical evidence are not sufficient to establish a definitive association between this variant and the reported condition. Therefore, this variant is classified as a variant of uncertain significance.

GeneDx
Classification: Likely pathogenic. Last evaluated: 2025-06-20. Review status: criteria provided, single submitter. Criteria: GeneDx Variant Classification Process June 2021. Collection method: clinical testing. Allele origin: germline.
Comment: In silico analysis supports that this missense variant has a deleterious effect on protein structure/function; This variant is associated with the following publications: (PMID: 37626525)

PreventionGenetics, part of Exact Sciences
Classification: Uncertain significance for RNASEH2A-related condition. Last evaluated: 2023-05-10. Review status: criteria provided, single submitter. Criteria: ACMG Guidelines, 2015. Collection method: clinical testing. Allele origin: germline.
Comment: The RNASEH2A c.746C>T variant is predicted to result in the amino acid substitution p.Ala249Val. To our knowledge, this variant has not been reported in the literature. This variant is reported in 0.031% of alleles in individuals of Latino descent in gnomAD. At this time, the clinical significance of this variant is uncertain due to the absence of conclusive functional and genetic evidence.

Blueprint Genetics
Classification: Uncertain significance. Last evaluated: 2023-03-30. Review status: criteria provided, single submitter. Criteria: ACMG Guidelines, 2015. Collection method: clinical testing. Allele origin: germline.

Labcorp Genetics (formerly Invitae), Labcorp
Classification: Uncertain significance for Aicardi-Goutieres syndrome 4. Last evaluated: 2022-10-04. Review status: criteria provided, single submitter. Criteria: Invitae Variant Classification Sherloc (09022015). Collection method: clinical testing. Allele origin: germline.
Comment: This sequence change replaces alanine, which is neutral and non-polar, with valine, which is neutral and non-polar, at codon 249 of the RNASEH2A protein (p.Ala249Val). This variant is present in population databases (rs758719669, gnomAD 0.03%). This variant has not been reported in the literature in individuals affected with RNASEH2A-related conditions. ClinVar contains an entry for this variant (Variation ID: 803523). Algorithms developed to predict the effect of missense changes on protein structure and function are either unavailable or do not agree on the potential impact of this missense change (SIFT: "Deleterious"; PolyPhen-2: "Probably Damaging"; Align-GVGD: "Class C0"). In summary, the available evidence is currently insufficient to determine the role of this variant in disease. Therefore, it has been classified as a Variant of Uncertain Significance.

3billion
Classification: Uncertain significance for Aicardi-Goutieres syndrome 4. Last evaluated: 2022-05-22. Review status: criteria provided, single submitter. Criteria: ACMG Guidelines, 2015. Collection method: clinical testing. Allele origin: germline. Affected: yes. Observed: 1 heterozygote.
Comment: The variant is observed at an extremely low frequency in the gnomAD v2.1.1 dataset (total allele frequency: 0.005%). Missense changes are a common disease-causing mechanism. The variant is in trans with the NM_006397.3:c.717del variant (3billion dataset). The variant is in trans with the other variant. Therefore, this variant is classified as uncertain significanceaccording to the recommendation of ACMG/AMP guideline.

Laboratorio de Genetica e Diagnostico Molecular, Hospital Israelita Albert Einstein
Classification: Uncertain significance for Aicardi-Goutieres syndrome 4. Last evaluated: 2022-04-14. Review status: criteria provided, single submitter. Criteria: ACMG Guidelines, 2015. Collection method: clinical testing. Allele origin: germline. Affected: yes. Observed: 1 variant allele.
Comment: ACMG classification criteria: PM2 moderated, BP4 supporting

Ambry Genetics
Classification: Uncertain significance for Inborn genetic diseases. Last evaluated: 2021-08-12. Review status: criteria provided, single submitter. Criteria: Ambry Variant Classification Scheme 2023. Collection method: clinical testing. Allele origin: germline.

Mendelics
Classification: Likely pathogenic for Aicardi-Goutieres syndrome 4. Last evaluated: 2019-05-28. Review status: criteria provided, single submitter. Criteria: Mendelics Assertion Criteria 2017. Collection method: clinical testing. Allele origin: unknown.

Literature cited by the submitters: PubMed 37626525 (cited by Women's Health and Genetics/Laboratory Corporation of America, LabCorp and Centro Nacional de Genética Medica, Administración Nacional de Laboratorios e Institutos de Salud (ANLIS) “Dr. Carlos G Malbrán”); PubMed 39470906 (cited by Centro Nacional de Genética Medica, Administración Nacional de Laboratorios e Institutos de Salud (ANLIS) “Dr. Carlos G Malbrán”).